The following is an entry in ClinVar:

NM_005204.4(MAP3K8):c.1395A>G (p.Glu465=)

Gene: MAP3K8 (mitogen-activated protein kinase kinase kinase 8; plus strand). Cytogenetic location: 10p11.23.
Variant type: single nucleotide variant.
Coding change: c.1395A>G on transcript NM_005204.4 (MANE Select); coding-DNA position 1395, A replaced by G.
Protein change: p.Glu465=; no amino-acid change (glutamic acid 465 retained).
Molecular consequence: synonymous variant.
Genome position (GRCh38, 1-based): chr10:30,460,827, A>G. VCF-style: chr10-30460827-A-G. GRCh37 (hg19) VCF-style: chr10-30749756-A-G.
Other names: c.1395A>G, p.Glu465= (NM_001244134.1, NM_001320961.2).
Identifiers: ClinVar variation 3701270 (VCV003701270.2).
Genomic context (GRCh38, chr10:30,460,827, plus strand): 5'-CATCGACCTCGGCGCTCTGGCTGGCTACTTCAATCTTGTTCGGGGACCACCAACGCTTGA[A>G]TATGGCTGAAGGATGCCATGTTTGCTCTAAATTAAGACAGCATTGATCTCCTGGAGGCTG-3'
Protein context (NP_005195.2, residues 455-467): FNLVRGPPTL[Glu465=]YG

ClinVar aggregate classification (germline): Uncertain significance (1 of 4 stars; one submission).

Submission:

Labcorp Genetics (formerly Invitae), Labcorp
Classification: Uncertain significance. Last evaluated: 2024-08-31. Review status: criteria provided, single submitter. Criteria: Invitae Variant Classification Sherloc (09022015). Collection method: clinical testing. Allele origin: germline.
Comment: This sequence change affects codon 465 of the MAP3K8 mRNA. It is a 'silent' change, meaning that it does not change the encoded amino acid sequence of the MAP3K8 protein. This variant is not present in population databases (gnomAD no frequency). This variant has not been reported in the literature in individuals affected with MAP3K8-related conditions. Algorithms developed to predict the effect of sequence changes on RNA splicing suggest that this variant may create or strengthen a splice site. In summary, the available evidence is currently insufficient to determine the role of this variant in disease. Therefore, it has been classified as a Variant of Uncertain Significance.